The following is an entry in ClinVar:

ClinVar aggregate classification (germline): Uncertain significance. Review status: criteria provided, multiple submitters, no conflicts (2 of 4 stars). 3 submissions from 3 submitters: Uncertain significance (3). Last evaluated 2026-08-31.

Conditions:
Inborn genetic diseases. Identifiers: MedGen C0950123, MeSH D030342.
Epilepsy, familial focal, with variable foci 2 (FFEVF2). Identifiers: MedGen C4310709, MONDO:0014924, OMIM 617116.

Allele frequency attached by ClinVar (database versions not stated): gnomAD exomes below 0.00001; ExAC 0.00001.
gnomAD v4.1: 2 of 1,613,914 alleles (0.00012%); highest among the groups gnomAD compares: Middle Eastern, 0.016%; no homozygotes.

Submissions (3):

Ambry Genetics
Classification: Uncertain significance for Inborn genetic diseases. Last evaluated: 2026-08-31. Review status: criteria provided, single submitter. Criteria: Ambry Variant Classification Scheme 2023. Collection method: clinical testing. Allele origin: germline.
Comment: The c.602A>C (p.D201A) alteration is located in exon 6 (coding exon 6) of the NPRL2 gene. This alteration results from a A to C substitution at nucleotide position 602, causing the aspartic acid (D) at amino acid position 201 to be replaced by an alanine (A). Based on data from gnomAD, the C allele has an overall frequency of <0.001% (1/251212) total alleles studied. The highest observed frequency was 0.001% (1/113534) of European (non-Finnish) alleles. Based on insufficient or conflicting evidence, the clinical significance of this alteration remains unclear.

Blueprint Genetics
Classification: Uncertain significance. Last evaluated: 2023-11-08. Review status: criteria provided, single submitter. Criteria: ACMG Guidelines, 2015. Collection method: clinical testing. Allele origin: germline.

Genomic Research Center, Shahid Beheshti University of Medical Sciences
Classification: Uncertain significance for Epilepsy, familial focal, with variable foci 2. Last evaluated: 2018-03-05. Review status: criteria provided, single submitter. Criteria: ACMG Guidelines, 2015. Collection method: clinical testing. Allele origin: inherited. Affected: yes. Observed: 1 variant allele.

NM_006545.5(NPRL2):c.602A>C (p.Asp201Ala)

Gene: NPRL2 (NPR2 like, GATOR1 complex subunit; minus strand). Cytogenetic location: 3p21.31.
Variant type: single nucleotide variant.
Coding change: c.602A>C on transcript NM_006545.5 (MANE Select); coding-DNA position 602, A replaced by C.
Protein change: p.Asp201Ala; replaces aspartic acid 201 with alanine.
Molecular consequence: missense variant.
Genome position (GRCh38, 1-based): chr3:50,348,766, T>G on the plus strand (A>C on the coding strand, the complement: NPRL2 is on the minus strand). VCF-style: chr3-50348766-T-G. GRCh37 (hg19) VCF-style: chr3-50386197-T-G.
Other names: short protein forms D201A.
Identifiers: ClinVar variation 548578 (VCV000548578.7), dbSNP rs202157450, ClinGen allele CA2417547.
Genomic context (GRCh38, chr3:50,348,766, plus strand): 5'-CGCACCAGGTTGAGCTCCACATCTGCCTCTGCTGAAATCTTCTGGATGTGGCGGAACCCA[T>G]CAATGTAGGGCAGGATCTGGGCAGAGTGGGACAAGGTCAGAAGAAACAGGATGAGGCCAG-3'
Protein context (NP_006536.3, residues 191-211): LTTQQILPYI[Asp201Ala]GFRHIQKISA